The following is an entry in ClinVar:

ClinVar aggregate classification (germline): Conflicting classifications of pathogenicity. Review status: criteria provided, conflicting classifications (1 of 4 stars). 2 submissions from 2 submitters: Uncertain significance (1); Likely benign (1). Last evaluated 2026-01-01.

Conditions:
Feingold syndrome type 1 (FGLDS1). Also called: MICROCEPHALY, MENTAL RETARDATION, AND TRACHEOESOPHAGEAL FISTULA SYNDROME; MICROCEPHALY-OCULO-DIGITO-ESOPHAGEAL-DUODENAL SYNDROME; OCULODIGITOESOPHAGODUODENAL SYNDROME; ODED SYNDROME; MICROCEPHALY AND DIGITAL ABNORMALITIES WITH NORMAL INTELLIGENCE. Identifiers: Orphanet 1305, Orphanet 391641, MedGen C4551774, MONDO:0008115, OMIM 164280.
Megalencephaly-polydactyly syndrome (MPAPA). Identifiers: MedGen C5935591, MONDO:0958279, OMIM 620748.

Submissions (2):

CeGaT Center for Human Genetics Tuebingen
Classification: Likely benign. Last evaluated: 2026-01-01. Review status: criteria provided, single submitter. Criteria: CeGaT Center For Human Genetics Tuebingen Variant Classification Criteria Version 2. Collection method: clinical testing. Allele origin: germline. Affected: yes. Observed: 1 variant allele.
Comment: MYCN: BP3

Fulgent Genetics
Classification: Uncertain significance for Feingold syndrome type 1; Megalencephaly-polydactyly syndrome. Last evaluated: 2024-04-23. Review status: criteria provided, single submitter. Criteria: ACMG Guidelines, 2015. Collection method: clinical testing. Allele origin: germline.

NM_005378.6(MYCN):c.483_506dup (p.Gly169_Arg170insHisGlyGlyAlaAlaGlyAlaGly)

Gene: MYCN (MYCN proto-oncogene, bHLH transcription factor; plus strand). Cytogenetic location: 2p24.3.
Variant type: Duplication.
Coding change: c.483_506dup on transcript NM_005378.6 (MANE Select); coding-DNA positions 483 to 506, 24 bases duplicated (GCACGGCGGGGCTGCGGGAGCCGG).
Protein change: p.Gly169_Arg170insHisGlyGlyAlaAlaGlyAlaGly.
Molecular consequence: 3 prime UTR variant (on NM_001293233.2). On other transcripts: intron variant (1).
Genome position (GRCh38, 1-based): chr2:15,942,547-15,942,570, GCACGGCGGGGCTGCGGGAGCCGG duplicated; duplicating any 24 consecutive bases within chr2:15,942,544-15,942,570 gives the same sequence; the c. name uses the placement nearest the transcript's 3' end. VCF-style (leftmost placement, unchanged base first): chr2-15942543-G-GCGGGCACGGCGGGGCTGCGGGAGC. GRCh37 (hg19) VCF-style: chr2-16082665-G-GCGGGCACGGCGGGGCTGCGGGAGC.
Other names: c.483_506dup, p.Gly169_Arg170insHisGlyGlyAlaAlaGlyAlaGly (NM_001293228.2); c.*418_*441dup (NM_001293233.2); c.157+1804_157+1827dup (NM_001293231.2).
Identifiers: ClinVar variation 3584502 (VCV003584502.5).